The following is an entry in ClinVar:

NM_006086.4(TUBB3):c.1153T>C (p.Phe385Leu)

Gene: TUBB3 (tubulin beta 3 class III; plus strand). Cytogenetic location: 16q24.3.
Variant type: single nucleotide variant.
Coding change: c.1153T>C on transcript NM_006086.4 (MANE Select); coding-DNA position 1153, T replaced by C.
Protein change: p.Phe385Leu; replaces phenylalanine 385 with leucine.
Molecular consequence: missense variant.
Genome position (GRCh38, 1-based): chr16:89,935,604, T>C. VCF-style: chr16-89935604-T-C. GRCh37 (hg19) VCF-style: chr16-90002012-T-C.
Other names: c.937T>C, p.Phe313Leu (NM_001197181.2); short protein forms F313L, F385L.
Identifiers: ClinVar variation 5016771 (VCV005016771.1).

ClinVar aggregate classification (germline): Uncertain significance (1 of 4 stars; one submission).

Submission:

GeneDx
Classification: Uncertain significance. Last evaluated: 2026-03-24. Review status: criteria provided, single submitter. Criteria: GeneDx Variant Classification Process June 2021. Collection method: clinical testing. Allele origin: germline.
Comment: Not observed at significant frequency in large population cohorts (gnomAD); Missense variants in this gene are a common cause of disease and they are underrepresented in the general population; In silico analysis supports that this missense variant has a deleterious effect on protein structure/function; Has not been previously published as pathogenic or benign to our knowledge; This variant is associated with the following publications: (PMID: 20829227)